The following is an entry in ClinVar:

NM_001369.3(DNAH5):c.12250C>T (p.Arg4084Trp)

Gene: DNAH5 (dynein axonemal heavy chain 5; minus strand). Cytogenetic location: 5p15.2.
Variant type: single nucleotide variant.
Coding change: c.12250C>T on transcript NM_001369.3 (MANE Select); coding-DNA position 12250, C replaced by T.
Protein change: p.Arg4084Trp; replaces arginine 4084 with tryptophan.
Molecular consequence: missense variant.
Genome position (GRCh38, 1-based): chr5:13,721,029, G>A on the plus strand (C>T on the coding strand, the complement: DNAH5 is on the minus strand). VCF-style: chr5-13721029-G-A. GRCh37 (hg19) VCF-style: chr5-13721138-G-A.
Other names: c.12250C>T (NM_001369.2); short protein forms R4084W.
Identifiers: ClinVar variation 1017090 (VCV001017090.12), dbSNP rs752895938, ClinGen allele CA3201703.

ClinVar aggregate classification (germline): Conflicting classifications of pathogenicity. Review status: criteria provided, conflicting classifications (1 of 4 stars). 4 submissions from 4 submitters: Uncertain significance (2); Likely benign (1). 1 of the submissions does not count toward it. Last evaluated 2024-09-12.

Conditions:
Primary ciliary dyskinesia. Also called: Ciliary dyskinesia. Identifiers: Orphanet 244, MedGen C0008780, MONDO:0016575, HP:0012265.

Allele frequency attached by ClinVar (database versions not stated): gnomAD 0.00001; gnomAD exomes 0.00001 and 0.00003; TOPMed 0.00001; ExAC 0.00002.
gnomAD v4.1: 17 of 1,613,942 alleles (0.0011%); highest among the groups gnomAD compares: Middle Eastern, 0.016%; no homozygotes.

Submissions (4):

Blueprint Genetics
Classification: Uncertain significance. Last evaluated: 2024-09-12. Review status: criteria provided, single submitter. Criteria: ACMG Guidelines, 2015. Collection method: clinical testing. Allele origin: germline.

Labcorp Genetics (formerly Invitae), Labcorp
Classification: Likely benign for Primary ciliary dyskinesia. Last evaluated: 2024-08-08. Review status: criteria provided, single submitter. Criteria: Invitae Variant Classification Sherloc (09022015). Collection method: clinical testing. Allele origin: germline.

Ambry Genetics
Classification: Uncertain significance for Primary ciliary dyskinesia. Last evaluated: 2014-08-22. Review status: criteria provided, single submitter. Criteria: Ambry Variant Classification Scheme 2023. Collection method: clinical testing. Allele origin: germline.
Comment: The p.R4084W variant (also known as c.12250C>T), located in coding exon 71 of the DNAH5 gene, results from a C to T substitution at nucleotide position 12250. The arginine at codon 4084 is replaced by tryptophan, an amino acid with dissimilar properties. This variant was not reported in population based cohorts in the following databases: Database of Single Nucleotide Polymorphisms (dbSNP), NHLBI Exome Sequencing Project (ESP), and 1000 Genomes Project. In the ESP, this variant was not observed in 6503 samples (13006 alleles) with coverage at this position. This amino acid position is highly conserved in available vertebrate species. In addition, this alteration is predicted to be tolerated by in silico analysis. Since supporting evidence is limited at this time, the clinical significance of this variant remains unclear.

Natera, Inc.
Classification: Uncertain significance for Primary ciliary dyskinesia. Last evaluated: 2020-12-08. Review status: no assertion criteria provided. Collection method: clinical testing. Allele origin: germline. Not counted in ClinVar's aggregate classification.